The following is an entry in ClinVar:

ClinVar aggregate classification (germline): Uncertain significance (1 of 4 stars; one submission).

Submission:

GeneDx
Classification: Uncertain significance. Last evaluated: 2023-04-13. Review status: criteria provided, single submitter. Criteria: GeneDx Variant Classification Process June 2021. Collection method: clinical testing. Allele origin: germline. Affected: yes.
Comment: Not observed at significant frequency in large population cohorts (gnomAD); In silico analysis supports that this missense variant does not alter protein structure/function; Has not been previously published as pathogenic or benign to our knowledge

NM_006940.6(SOX5):c.21A>C (p.Leu7Phe)

Gene: SOX5 (SRY-box transcription factor 5; minus strand). Cytogenetic location: 12p12.1.
Variant type: single nucleotide variant.
Coding change: c.21A>C on transcript NM_006940.6 (MANE Select); coding-DNA position 21, A replaced by C.
Protein change: p.Leu7Phe; replaces leucine 7 with phenylalanine.
Molecular consequence: missense variant. On other transcripts: intron variant (3).
Genome position (GRCh38, 1-based): chr12:23,949,581, T>G on the plus strand (A>C on the coding strand, the complement: SOX5 is on the minus strand). VCF-style: chr12-23949581-T-G. GRCh37 (hg19) VCF-style: chr12-24102515-T-G.
Other names: c.21A>C, p.Leu7Phe (NM_001330785.2); c.-1-53557A>C (NM_152989.5, NM_001261414.3); c.8+1288A>C (NM_001261415.3); short protein forms L7F.
Identifiers: ClinVar variation 3343086 (VCV003343086.1).